The following is an entry in ClinVar:

NM_001290060.2(SEMA3B):c.244A>G (p.Asn82Asp)

Gene: SEMA3B (semaphorin 3B; plus strand). Cytogenetic location: 3p21.31.
Variant type: single nucleotide variant.
Coding change: c.244A>G on transcript NM_001290060.2 (MANE Select); coding-DNA position 244, A replaced by G.
Protein change: p.Asn82Asp; replaces asparagine 82 with aspartic acid.
Molecular consequence: missense variant.
Genome position (GRCh38, 1-based): chr3:50,270,261, A>G. VCF-style: chr3-50270261-A-G. GRCh37 (hg19) VCF-style: chr3-50307692-A-G.
Other names: c.244A>G, p.Asn82Asp (NM_001005914.3, NM_001290061.1, NM_004636.4); c.244A>G (NM_001290060.1); short protein forms N82D.
Identifiers: ClinVar variation 3159704 (VCV003159704.2), dbSNP rs2470762881, ClinGen allele CA352904467.

ClinVar aggregate classification (germline): Uncertain significance. Review status: criteria provided, multiple submitters, no conflicts (2 of 4 stars). 2 submissions from 2 submitters: Uncertain significance (2). Last evaluated 2025-05-13.

Conditions:
SEMA3B-related disorder. Also called: SEMA3B-related condition.

Submissions (2):

PreventionGenetics, part of Exact Sciences
Classification: Uncertain significance for SEMA3B-related condition. Last evaluated: 2025-05-13. Review status: criteria provided, single submitter. Criteria: ACMG Guidelines, 2015. Collection method: clinical testing. Allele origin: germline.
Comment: The SEMA3B c.244A>G variant is predicted to result in the amino acid substitution p.Thr82Ala. To our knowledge, this variant has not been reported in the literature or in a large population database (gnomAD), indicating this variant is rare. At this time, the clinical significance of this variant is uncertain due to the absence of conclusive functional and genetic evidence.

Ambry Genetics
Classification: Uncertain significance. Last evaluated: 2023-10-13. Review status: criteria provided, single submitter. Criteria: Ambry Variant Classification Scheme 2023. Collection method: clinical testing. Allele origin: germline.